The following is an entry in ClinVar:

ClinVar aggregate classification (germline): Uncertain significance. Review status: criteria provided, multiple submitters, no conflicts (2 of 4 stars). 2 submissions from 2 submitters: Uncertain significance (2). Last evaluated 2023-07-25.

Conditions:
Mosaic variegated aneuploidy syndrome 1 (MVA1). Also called: Warburton-Anyane-Yeboa syndrome. Identifiers: Orphanet 1052, MedGen C1850343, MONDO:0009759, OMIM 257300.

Allele frequency attached by ClinVar (database versions not stated): TOPMed below 0.00001; gnomAD 0.00001; ExAC 0.00002; gnomAD exomes 0.00003.
gnomAD v4.1: 41 of 1,613,212 alleles (0.0025%); highest among the groups gnomAD compares: Admixed American, 0.0067%; no homozygotes.

Submissions (2):

Labcorp Genetics (formerly Invitae), Labcorp
Classification: Uncertain significance for Mosaic variegated aneuploidy syndrome 1. Last evaluated: 2023-07-25. Review status: criteria provided, single submitter. Criteria: Invitae Variant Classification Sherloc (09022015). Collection method: clinical testing. Allele origin: germline.
Comment: In summary, the available evidence is currently insufficient to determine the role of this variant in disease. Therefore, it has been classified as a Variant of Uncertain Significance. An algorithm developed to predict the effect of missense changes on protein structure and function (PolyPhen-2) suggests that this variant is likely to be tolerated. ClinVar contains an entry for this variant (Variation ID: 1319272). This variant has not been reported in the literature in individuals affected with BUB1B-related conditions. This variant is present in population databases (rs750377734, gnomAD 0.009%). This sequence change replaces glutamic acid, which is acidic and polar, with glycine, which is neutral and non-polar, at codon 507 of the BUB1B protein (p.Glu507Gly).

Institute for Clinical Genetics, University Hospital TU Dresden, University Hospital TU Dresden
Classification: Uncertain significance. Last evaluated: 2021-11-03. Review status: criteria provided, single submitter. Criteria: ACMG Guidelines, 2015. Collection method: clinical testing. Allele origin: germline.

NM_001211.6(BUB1B):c.1520A>G (p.Glu507Gly)

Gene: BUB1B (BUB1 mitotic checkpoint serine/threonine kinase B; plus strand). Cytogenetic location: 15q15.1.
Variant type: single nucleotide variant.
Coding change: c.1520A>G on transcript NM_001211.6 (MANE Select); coding-DNA position 1520, A replaced by G.
Protein change: p.Glu507Gly; replaces glutamic acid 507 with glycine.
Molecular consequence: missense variant.
Genome position (GRCh38, 1-based): chr15:40,200,933, A>G. VCF-style: chr15-40200933-A-G. GRCh37 (hg19) VCF-style: chr15-40493134-A-G.
Other names: short protein forms E507G.
Identifiers: ClinVar variation 1319272 (VCV001319272.9), dbSNP rs750377734, ClinGen allele CA7475789.